The following is an entry in ClinVar:

NM_005562.3(LAMC2):c.2857A>T (p.Lys953Ter)

Gene: LAMC2 (laminin subunit gamma 2; plus strand). Cytogenetic location: 1q25.3.
Variant type: single nucleotide variant.
Coding change: c.2857A>T on transcript NM_005562.3 (MANE Select); coding-DNA position 2857, A replaced by T.
Protein change: p.Lys953Ter; replaces lysine 953 with a stop codon.
Molecular consequence: nonsense.
Genome position (GRCh38, 1-based): chr1:183,238,409, A>T. VCF-style: chr1-183238409-A-T. GRCh37 (hg19) VCF-style: chr1-183207544-A-T.
Other names: c.2857A>T, p.Lys953Ter (NM_018891.3); short protein forms K953*.
Identifiers: ClinVar variation 1071150 (VCV001071150.7), dbSNP rs2102250197, ClinGen allele CA343699380.

ClinVar aggregate classification (germline): Pathogenic (1 of 4 stars; one submission).

Submission:

Labcorp Genetics (formerly Invitae), Labcorp
Classification: Pathogenic. Last evaluated: 2020-07-30. Review status: criteria provided, single submitter. Criteria: Invitae Variant Classification Sherloc (09022015). Collection method: clinical testing. Allele origin: germline.
Comment: This variant has not been reported in the literature in individuals with LAMC2-related conditions. This variant is not present in population databases (ExAC no frequency). This sequence change creates a premature translational stop signal (p.Lys953*) in the LAMC2 gene. It is expected to result in an absent or disrupted protein product. Loss-of-function variants in LAMC2 are known to be pathogenic (PMID: 11907499, 16473856). For these reasons, this variant has been classified as Pathogenic.

Literature cited by the submitters: PubMed 11907499; PubMed 16473856.